The following is an entry in ClinVar:

ClinVar aggregate classification (germline): Uncertain significance (1 of 4 stars; one submission).

Conditions:
Familial adenomatous polyposis 1 (FAP1). Also called: FAMILIAL ADENOMATOUS POLYPOSIS 1, ATTENUATED; POLYPOSIS, ADENOMATOUS INTESTINAL. Identifiers: MedGen C2713442, MONDO:0021056, OMIM 175100. Disease mechanism: loss of function.

Allele frequency attached by ClinVar (database versions not stated): gnomAD exomes below 0.00001.
gnomAD v4.1: 1 of 857,512 alleles (0.00012%); highest among the groups gnomAD compares: Non-Finnish European, 0.00017%; no homozygotes.

Submission:

Labcorp Genetics (formerly Invitae), Labcorp
Classification: Uncertain significance for Familial adenomatous polyposis 1. Last evaluated: 2025-12-24. Review status: criteria provided, single submitter. Criteria: Invitae Variant Classification Sherloc (09022015). Collection method: clinical testing. Allele origin: germline.
Comment: This variant occurs in a non-coding region of the APC gene. It does not change the encoded amino acid sequence of the APC protein. This variant is not present in population databases (gnomAD no frequency). This variant has not been reported in the literature in individuals affected with APC-related conditions. Experimental studies and prediction algorithms are not available or were not evaluated, and the functional significance of this variant is currently unknown. In summary, the available evidence is currently insufficient to determine the role of this variant in disease. Therefore, it has been classified as a Variant of Uncertain Significance.

NM_001127511.3(APC):c.-143A>G

Gene: APC (APC regulator of Wnt signaling pathway; plus strand). Cytogenetic location: 5q22.2.
Variant type: single nucleotide variant.
Coding change: c.-143A>G on transcript NM_001127511.3; 143 bases upstream of the start codon, A replaced by G.
Molecular consequence: 5 prime UTR variant. On other transcripts: non-coding transcript variant (2).
Genome position (GRCh38, 1-based): chr5:112,707,575, A>G. VCF-style: chr5-112707575-A-G. GRCh37 (hg19) VCF-style: chr5-112043272-A-G.
Other names: c.-143A>G (NM_001407446.1, NM_001354897.2, NM_001354902.2); c.-326A>G (NM_001407447.1, NM_001407452.1, NM_001407456.1 and 3 more transcripts); c.-93A>G (NM_001407448.1, NM_001407450.1, NM_001407457.1 and 1 more transcripts); c.-117A>G (NM_001407453.1); c.-1361A>G (NM_001407470.1, NM_001407472.1).
Identifiers: ClinVar variation 1008315 (VCV001008315.9), dbSNP rs1750579345, ClinGen allele CA1573442469.